The following is an entry in ClinVar:

NM_000019.4(ACAT1):c.1234_1248delinsG (p.Ile412fs)

Gene: ACAT1 (acetyl-CoA acetyltransferase 1; plus strand). Cytogenetic location: 11q22.3.
Variant type: Indel.
Coding change: c.1234_1248delinsG on transcript NM_000019.4 (MANE Select); coding-DNA positions 1234 to 1248, ATTTGCAATGGAGGA replaced by G.
Protein change: p.Ile412fs; shifts the reading frame from isoleucine 412.
Molecular consequence: frameshift variant. On other transcripts: non-coding transcript variant (2).
Genome position (GRCh38, 1-based): chr11:108,147,340-108,147,354, ATTTGCAATGGAGGA replaced by G. VCF-style: chr11-108147340-ATTTGCAATGGAGGA-G. GRCh37 (hg19) VCF-style: chr11-108018067-ATTTGCAATGGAGGA-G.
Other names: c.1255_1269delinsG, p.Ile419fs (NM_001386677.1); c.919_933delinsG, p.Ile307fs (NM_001386678.1); c.937_951delinsG, p.Ile313fs (NM_001386679.1); c.964_978delinsG, p.Ile322fs (NM_001386681.1, NM_001386682.1, NM_001386685.1 and 6 more transcripts); short protein forms I307fs, I313fs, I322fs, I412fs, I419fs.
Identifiers: ClinVar variation 4817552 (VCV004817552.1).

ClinVar aggregate classification (germline): Likely pathogenic (1 of 4 stars; one submission).

Conditions:
Deficiency of acetyl-CoA acetyltransferase. Also called: 3-KETOTHIOLASE DEFICIENCY; 3-OXOTHIOLASE DEFICIENCY; Beta-ketothiolase deficiency; MITOCHONDRIAL ACETOACETYL-CoA THIOLASE DEFICIENCY. Identifiers: Orphanet 134, MedGen C1536500, MONDO:0008760, OMIM 203750. Disease mechanism: loss of function.

Submission:

Natera, Inc.
Classification: Likely pathogenic for Alpha-methylacetoacetic aciduria. Last evaluated: 2024-11-08. Review status: criteria provided, single submitter. Criteria: Natera Variant Classification Schema (03/2026). Collection method: clinical testing. Allele origin: germline.
Comment: The c.1234_1248delinsG variant in ACAT1 is a frameshift variant predicted to elongate the protein beyond the termination codon. This variant is expected to result in nonsense mediated decay, truncation, or a dysfunctional protein product. This variant is rare in the general population with a frequency below the threshold expected for the associated phenotype(s). Given the available evidence, this variant is classified as Likely Pathogenic.